The following is an entry in ClinVar:

NM_000414.4(HSD17B4):c.911C>G (p.Ser304Ter)

Gene: HSD17B4 (hydroxysteroid 17-beta dehydrogenase 4; plus strand). Cytogenetic location: 5q23.1.
Variant type: single nucleotide variant.
Coding change: c.911C>G on transcript NM_000414.4 (MANE Select); coding-DNA position 911, C replaced by G.
Protein change: p.Ser304Ter; replaces serine 304 with a stop codon.
Molecular consequence: nonsense. On other transcripts: non-coding transcript variant (2).
Genome position (GRCh38, 1-based): chr5:119,496,585, C>G. VCF-style: chr5-119496585-C-G. GRCh37 (hg19) VCF-style: chr5-118832280-C-G.
Other names: c.986C>G, p.Ser329Ter (NM_001199291.3); c.857C>G, p.Ser286Ter (NM_001199292.2); c.839C>G, p.Ser280Ter (NM_001292027.2); c.491C>G, p.Ser164Ter (NM_001292028.2); c.902C>G, p.Ser301Ter (NM_001374497.1); c.911C>G, p.Ser304Ter (NM_001374498.1); c.584C>G, p.Ser195Ter (NM_001374499.1); c.470C>G, p.Ser157Ter (NM_001374500.1); and 1 more; short protein forms S157*, S164*, S167*, S195*, S280*, S286*, S301*, S304*.
Identifiers: ClinVar variation 1070670 (VCV001070670.7), dbSNP rs958986994, ClinGen allele CA360867716.

ClinVar aggregate classification (germline): Pathogenic (1 of 4 stars; one submission).

Conditions:
Bifunctional peroxisomal enzyme deficiency (DBIF). Also called: DBP DEFICIENCY; D-bifunctional protein deficiency; PBFE DEFICIENCY. Identifiers: Orphanet 300, MedGen C0342870, MONDO:0009855, OMIM 261515. Disease mechanism: loss of function.
Perrault syndrome. Also called: Gonadal dysgenesis with auditory dysfunction, autosomal recessive inheritance. Identifiers: Orphanet 2855, MedGen C0685838, MONDO:0017312.

Submission:

Labcorp Genetics (formerly Invitae), Labcorp
Classification: Pathogenic for Perrault syndrome; Bifunctional peroxisomal enzyme deficiency. Last evaluated: 2020-04-27. Review status: criteria provided, single submitter. Criteria: Invitae Variant Classification Sherloc (09022015). Collection method: clinical testing. Allele origin: germline.
Comment: This sequence change creates a premature translational stop signal (p.Ser304*) in the HSD17B4 gene. It is expected to result in an absent or disrupted protein product. This variant is not present in population databases (ExAC no frequency). This variant has not been reported in the literature in individuals with HSD17B4-related conditions. Loss-of-function variants in HSD17B4 are known to be pathogenic (PMID: 11810648, 16385454). For these reasons, this variant has been classified as Pathogenic.

Literature cited by the submitters: PubMed 11810648; PubMed 16385454.